The following is an entry in ClinVar:

NM_153460.4(IL17RC):c.2015C>T (p.Pro672Leu)

Gene: IL17RC (interleukin 17 receptor C; plus strand). Cytogenetic location: 3p25.3.
Variant type: single nucleotide variant.
Coding change: c.2015C>T on transcript NM_153460.4 (MANE Select); coding-DNA position 2015, C replaced by T.
Protein change: p.Pro672Leu; replaces proline 672 with leucine.
Molecular consequence: missense variant. On other transcripts: non-coding transcript variant (1).
Genome position (GRCh38, 1-based): chr3:9,933,445, C>T. VCF-style: chr3-9933445-C-T. GRCh37 (hg19) VCF-style: chr3-9975129-C-T.
Other names: c.1976C>T, p.Pro659Leu (NM_001203263.2); c.1925C>T, p.Pro642Leu (NM_001203264.2); c.1919C>T, p.Pro640Leu (NM_001203265.2); c.1937C>T, p.Pro646Leu (NM_001367278.1); c.1856C>T, p.Pro619Leu (NM_001367279.1); c.1931C>T, p.Pro644Leu (NM_001367280.1); c.1880C>T, p.Pro627Leu (NM_001410711.1); c.1970C>T, p.Pro657Leu (NM_032732.6); and 1 more; short protein forms P627L, P646L, P743L, P642L, P644L, P657L, P659L, P619L.
Identifiers: ClinVar variation 2975862 (VCV002975862.3), dbSNP rs778297944, ClinGen allele CA351709249.

ClinVar aggregate classification (germline): Uncertain significance (1 of 4 stars; one submission).

Conditions:
Candidiasis, familial, 9 (CANDF9). Identifiers: Orphanet 1334, MedGen C4225324, MONDO:0014642, OMIM 616445.

Allele frequency attached by ClinVar (database versions not stated): gnomAD exomes below 0.00001.
gnomAD v4.1: 1 of 1,613,136 alleles (0.000062%); highest among the groups gnomAD compares: East Asian, 0.0022%; no homozygotes.

Submission:

Labcorp Genetics (formerly Invitae), Labcorp
Classification: Uncertain significance for Candidiasis, familial, 9. Last evaluated: 2023-12-11. Review status: criteria provided, single submitter. Criteria: Invitae Variant Classification Sherloc (09022015). Collection method: clinical testing. Allele origin: germline.
Comment: This sequence change replaces proline, which is neutral and non-polar, with leucine, which is neutral and non-polar, at codon 743 of the IL17RC protein (p.Pro743Leu). This variant is not present in population databases (gnomAD no frequency). This variant has not been reported in the literature in individuals affected with IL17RC-related conditions. Algorithms developed to predict the effect of missense changes on protein structure and function output the following: SIFT: "Not Available"; PolyPhen-2: "Benign"; Align-GVGD: "Not Available". The leucine amino acid residue is found in multiple mammalian species, which suggests that this missense change does not adversely affect protein function. In summary, the available evidence is currently insufficient to determine the role of this variant in disease. Therefore, it has been classified as a Variant of Uncertain Significance.